The following is an entry in ClinVar:

NM_004385.5(VCAN):c.3192T>A (p.Asp1064Glu)

Gene: VCAN (versican; plus strand). Cytogenetic location: 5q14.3.
Variant type: single nucleotide variant.
Coding change: c.3192T>A on transcript NM_004385.5 (MANE Select); coding-DNA position 3192, T replaced by A.
Protein change: p.Asp1064Glu; replaces aspartic acid 1064 with glutamic acid.
Molecular consequence: missense variant. On other transcripts: intron variant (2).
Genome position (GRCh38, 1-based): chr5:83,521,498, T>A. VCF-style: chr5-83521498-T-A. GRCh37 (hg19) VCF-style: chr5-82817317-T-A.
Other names: c.3192T>A, p.Asp1064Glu (NM_001164098.2); c.1042+9102T>A (NM_001164097.2, NM_001126336.3); short protein forms D1064E.
Identifiers: ClinVar variation 3898508 (VCV003898508.7).
Genomic context (GRCh38, chr5:83,521,498, plus strand): 5'-ACCAGTTCCTGCTCTCAGTTCTACAGCTTGGACTCCCAAGGAGGCAGTAACACCACTGGA[T>A]GAACAAGAGGGCGATGGATCAGCATATACAGTCTCTGAAGATGAATTGTTGACAGGTTCT-3'
Protein context (NP_004376.2, residues 1054-1074): WTPKEAVTPL[Asp1064Glu]EQEGDGSAYT

ClinVar aggregate classification (germline): Likely benign (1 of 4 stars; one submission).

gnomAD v4.1: 17 of 1,614,086 alleles (0.0011%); highest among the groups gnomAD compares: South Asian, 0.016%; no homozygotes.

Submission:

CeGaT Center for Human Genetics Tuebingen
Classification: Likely benign. Last evaluated: 2025-04-01. Review status: criteria provided, single submitter. Criteria: CeGaT Center For Human Genetics Tuebingen Variant Classification Criteria Version 2. Collection method: clinical testing. Allele origin: germline. Affected: yes. Observed: 1 variant allele.
Comment: VCAN: BP4